The following is an entry in ClinVar:

NM_201384.3(PLEC):c.6493G>A (p.Ala2165Thr)

Gene: PLEC (plectin; minus strand). Cytogenetic location: 8q24.3.
Variant type: single nucleotide variant.
Coding change: c.6493G>A on transcript NM_201384.3 (MANE Select); coding-DNA position 6493, G replaced by A.
Protein change: p.Ala2165Thr; replaces alanine 2165 with threonine.
Molecular consequence: missense variant.
Genome position (GRCh38, 1-based): chr8:143,923,436, C>T on the plus strand (G>A on the coding strand, the complement: PLEC is on the minus strand). VCF-style: chr8-143923436-C-T. GRCh37 (hg19) VCF-style: chr8-144997604-C-T.
Other names: c.6574G>A, p.Ala2192Thr (NM_000445.5); c.6451G>A, p.Ala2151Thr (NM_201378.4); c.6427G>A, p.Ala2143Thr (NM_201379.3); c.6904G>A, p.Ala2302Thr (NM_201380.4); c.6397G>A, p.Ala2133Thr (NM_201381.3); c.6493G>A, p.Ala2165Thr (NM_201382.4); c.6505G>A, p.Ala2169Thr (NM_201383.3); short protein forms A2165T, A2169T, A2133T, A2143T, A2151T, A2192T, A2302T.
Identifiers: ClinVar variation 810326 (VCV000810326.51), dbSNP rs371119003, ClinGen allele CA4925969.

ClinVar aggregate classification (germline): Uncertain significance. Review status: criteria provided, multiple submitters, no conflicts (2 of 4 stars). 5 submissions from 5 submitters: Uncertain significance (5). Last evaluated 2026-07-01.

Conditions:
PLEC-related disorder. Also called: PLEC-related condition; PLEC-related disorders.
Epidermolysis bullosa simplex, Ogna type (EBS5A). Also called: Pidermolysis bullosa simplex 5A, Ogna type; EPIDERMOLYSIS BULLOSA SIMPLEX 5A, OGNA TYPE. Identifiers: Orphanet 79401, MedGen C0432317, MONDO:0007555, OMIM 131950.
Autosomal recessive limb-girdle muscular dystrophy type 2Q (LGMDR17). Also called: MUSCULAR DYSTROPHY, LIMB-GIRDLE, AUTOSOMAL RECESSIVE 17. Identifiers: Orphanet 254361, MedGen C3150989, MONDO:0013390, OMIM 613723.
Epidermolysis bullosa simplex 5C, with pyloric atresia (EBS5C). Also called: PLEC1-Related Epidermolysis Bullosa with Pyloric Atresia; PLEC-Related Epidermolysis Bullosa with Pyloric Atresia; Epidermolysis bullosa simplex with pyloric atresia. Identifiers: Orphanet 158684, MedGen C2677349, MONDO:0012807, OMIM 612138.
Epidermolysis bullosa simplex 5B, with muscular dystrophy (EBS5B). Also called: EPIDERMOLYSIS BULLOSA SIMPLEX AND LIMB-GIRDLE MUSCULAR DYSTROPHY; Epidermolysis bullosa simplex with muscular dystrophy. Identifiers: Orphanet 257, MedGen C2931072, MONDO:0009181, OMIM 226670.
Epidermolysis bullosa simplex with nail dystrophy (EBS5D). Identifiers: MedGen C4225309, MONDO:0014661, OMIM 616487.

Allele frequency attached by ClinVar (database versions not stated): gnomAD exomes 0.00018 and 0.00017; ExAC 0.00021; TOPMed 0.00011; ESP Exome Variant Server 0.00016; gnomAD 0.00017 and 0.00018.
gnomAD v4.1: 267 of 1,609,494 alleles (0.017%); highest among the groups gnomAD compares: Non-Finnish European, 0.02%; no homozygotes.

Submissions (5):

CeGaT Center for Human Genetics Tuebingen
Classification: Uncertain significance. Last evaluated: 2026-07-01. Review status: criteria provided, single submitter. Criteria: CeGaT Center For Human Genetics Tuebingen Variant Classification Criteria Version 2. Collection method: clinical testing. Allele origin: germline. Affected: yes. Observed: 4 variant alleles.
Comment: PLEC: PM2:Supporting

Labcorp Genetics (formerly Invitae), Labcorp
Classification: Uncertain significance for Autosomal recessive limb-girdle muscular dystrophy type 2Q; Epidermolysis bullosa simplex, Ogna type; Epidermolysis bullosa simplex with nail dystrophy; Epidermolysis bullosa simplex 5C, with pyloric atresia; Epidermolysis bullosa simplex 5B, with muscular dystrophy. Last evaluated: 2025-12-08. Review status: criteria provided, single submitter. Criteria: Invitae Variant Classification Sherloc (09022015). Collection method: clinical testing. Allele origin: germline.
Comment: This sequence change replaces alanine, which is neutral and non-polar, with threonine, which is neutral and polar, at codon 2192 of the PLEC protein (p.Ala2192Thr). This variant is present in population databases (rs371119003, gnomAD 0.04%). This variant has not been reported in the literature in individuals affected with PLEC-related conditions. ClinVar contains an entry for this variant (Variation ID: 810326). An algorithm developed to predict the effect of missense changes on protein structure and function (PolyPhen-2) suggests that this variant is likely to be disruptive. In summary, the available evidence is currently insufficient to determine the role of this variant in disease. Therefore, it has been classified as a Variant of Uncertain Significance.

PreventionGenetics, part of Exact Sciences
Classification: Uncertain significance for PLEC-related condition. Last evaluated: 2025-11-08. Review status: criteria provided, single submitter. Criteria: ACMG Guidelines, 2015. Collection method: clinical testing. Allele origin: germline.
Comment: The PLEC c.6574G>A variant is predicted to result in the amino acid substitution p.Ala2192Thr. To our knowledge, this variant has not been reported in the literature. This variant is reported in 0.035% of alleles in individuals of European (Finnish) descent in gnomAD. At this time, the clinical significance of this variant is uncertain due to the absence of conclusive functional and genetic evidence.

Blueprint Genetics
Classification: Uncertain significance. Last evaluated: 2024-09-15. Review status: criteria provided, single submitter. Criteria: ACMG Guidelines, 2015. Collection method: clinical testing. Allele origin: germline.

Revvity Omics, Revvity
Classification: Uncertain significance. Last evaluated: 2024-04-02. Review status: criteria provided, single submitter. Criteria: ACMG Guidelines, 2015. Collection method: clinical testing. Allele origin: germline.